The following is an entry in ClinVar:

ClinVar aggregate classification (germline): Uncertain significance (1 of 4 stars; one submission).

Conditions:
Cardiovascular phenotype. Identifiers: MedGen CN230736.

Submission:

Ambry Genetics
Classification: Uncertain significance for Cardiovascular phenotype. Last evaluated: 2025-11-25. Review status: criteria provided, single submitter. Criteria: Ambry Variant Classification Scheme 2023. Collection method: clinical testing. Allele origin: germline.
Comment: The p.V598F variant (also known as c.1792G>T), located in coding exon 19 of the MYBPC3 gene, results from a G to T substitution at nucleotide position 1792. The valine at codon 598 is replaced by phenylalanine, an amino acid with highly similar properties. This amino acid position is conserved. In addition, this alteration is predicted to be tolerated by in silico analysis. Based on the available evidence, the clinical significance of this variant remains unclear.

NM_000256.3(MYBPC3):c.1792G>T (p.Val598Phe)

Gene: MYBPC3 (myosin binding protein C3; minus strand). Cytogenetic location: 11p11.2.
Variant type: single nucleotide variant.
Coding change: c.1792G>T on transcript NM_000256.3 (MANE Select); coding-DNA position 1792, G replaced by T.
Protein change: p.Val598Phe; replaces valine 598 with phenylalanine.
Molecular consequence: missense variant.
Genome position (GRCh38, 1-based): chr11:47,341,243, C>A on the plus strand (G>T on the coding strand, the complement: MYBPC3 is on the minus strand). VCF-style: chr11-47341243-C-A. GRCh37 (hg19) VCF-style: chr11-47362794-C-A.
Other names: short protein forms V598F.
Identifiers: ClinVar variation 4614589 (VCV004614589.1).
Genomic context (GRCh38, chr11:47,341,243, plus strand): 5'-GCACAAAGCTGTAGTCAGCCTCGTCGGCAGGTGTGACGTCGTCAATGGTCAGTTTGTGGA[C>A]CCTGCAGGGGAGCAGTGGCTCAGGGGACCCCACTGGGCCACACACCCCTGGCCTTGCCAG-3'
Protein context (NP_000247.2, residues 588-608): SRIKVSHIGR[Val598Phe]HKLTIDDVTP